The following is an entry in ClinVar:

NM_006767.4(LZTR1):c.909C>T (p.Ala303=)

Gene: LZTR1 (leucine zipper like post translational regulator 1; plus strand). Cytogenetic location: 22q11.21.
Variant type: single nucleotide variant.
Coding change: c.909C>T on transcript NM_006767.4 (MANE Select); coding-DNA position 909, C replaced by T.
Protein change: p.Ala303=; no amino-acid change (alanine 303 retained).
Molecular consequence: synonymous variant.
Genome position (GRCh38, 1-based): chr22:20,991,745, C>T. VCF-style: chr22-20991745-C-T. GRCh37 (hg19) VCF-style: chr22-21346034-C-T.
Identifiers: ClinVar variation 1655992 (VCV001655992.15), dbSNP rs765549963, ClinGen allele CA10118662.
Genomic context (GRCh38, chr22:20,991,745, plus strand): 5'-GCGCTACGGGCATACCATGGTGGCCTTTGACCGCCACCTCTATGTGTTTGGGGGTGCGGC[C>T]GACAACACGCTGCCCAACGAGCTGCACTGCTATGACGTGGACTTCCAGACCTGGGAGGTC-3'
Protein context (NP_006758.2, residues 293-313): DRHLYVFGGA[Ala303=]DNTLPNELHC

ClinVar aggregate classification (germline): Likely benign. Review status: criteria provided, multiple submitters, no conflicts (2 of 4 stars). 4 submissions from 4 submitters: Likely benign (4). Last evaluated 2026-09-01.

Conditions:
Hereditary cancer-predisposing syndrome. Also called: Tumor predisposition; Hereditary Cancer Syndrome; Neoplastic Syndromes, Hereditary; Hereditary neoplastic syndrome. Identifiers: Orphanet 140162, MedGen C0027672, MeSH D009386, MONDO:0015356.
Cardiovascular phenotype. Identifiers: MedGen CN230736.

Allele frequency attached by ClinVar (database versions not stated): gnomAD 0.00001; TOPMed 0.00002; gnomAD exomes 0.00005 and 0.00008; ExAC 0.00010.
gnomAD v4.1: 112 of 1,568,526 alleles (0.0071%); highest among the groups gnomAD compares: South Asian, 0.013%; no homozygotes.

Submissions (4):

CeGaT Center for Human Genetics Tuebingen
Classification: Likely benign. Last evaluated: 2026-09-01. Review status: criteria provided, single submitter. Criteria: CeGaT Center For Human Genetics Tuebingen Variant Classification Criteria Version 2. Collection method: clinical testing. Allele origin: germline. Affected: yes. Observed: 2 variant alleles.
Comment: LZTR1: BP4, BP7

Labcorp Genetics (formerly Invitae), Labcorp
Classification: Likely benign. Last evaluated: 2025-12-05. Review status: criteria provided, single submitter. Criteria: Invitae Variant Classification Sherloc (09022015). Collection method: clinical testing. Allele origin: germline.

Blueprint Genetics
Classification: Likely benign. Last evaluated: 2024-04-02. Review status: criteria provided, single submitter. Criteria: ACMG Guidelines, 2015. Collection method: clinical testing. Allele origin: germline.

Ambry Genetics
Classification: Likely benign for Cardiovascular phenotype; Hereditary cancer-predisposing syndrome. Last evaluated: 2020-09-09. Review status: criteria provided, single submitter. Criteria: Ambry Variant Classification Scheme 2023. Collection method: clinical testing. Allele origin: germline.